The following is an entry in ClinVar:

ClinVar aggregate classification (germline): Conflicting classifications of pathogenicity. Review status: criteria provided, conflicting classifications (1 of 4 stars). 5 submissions from 5 submitters: Uncertain significance (1); Benign (1); Likely benign (3). Last evaluated 2025-06-08.

Conditions:
FANCD2-related disorder. Also called: FANCD2-related condition.
Fanconi anemia (FA). Also called: Fanconi's anemia. Identifiers: Orphanet 84, MedGen C0015625, MeSH D005199, MONDO:0019391.
Fanconi anemia complementation group D2. Also called: FANCD2-Related Fanconi Anemia; FANCONI PANCYTOPENIA, TYPE 4; FANCONI ANEMIA, COMPLEMENTATION GROUP D. Identifiers: Orphanet 84, MedGen C3160738, MONDO:0009214, OMIM 227646.

Allele frequency attached by ClinVar (database versions not stated): gnomAD 0.00005 and 0.00011; TOPMed 0.00006; ESP Exome Variant Server 0.00008; gnomAD exomes 0.00013 and 0.00032; ExAC 0.00034; 1000 Genomes Project 0.00040; 1000 Genomes Project 30x 0.00047.
gnomAD v4.1: 216 of 1,611,988 alleles (0.013%); highest among the groups gnomAD compares: Middle Eastern, 0.25%; 4 homozygotes.

Submissions (6):

Labcorp Genetics (formerly Invitae), Labcorp
Classification: Benign for Fanconi anemia. Last evaluated: 2025-06-08. Review status: criteria provided, single submitter. Criteria: Invitae Variant Classification Sherloc (09022015). Collection method: clinical testing. Allele origin: germline.

PreventionGenetics, part of Exact Sciences
Classification: Likely benign for FANCD2-related condition. Last evaluated: 2024-11-21. Review status: criteria provided, single submitter. Criteria: ACMG Guidelines, 2015. Collection method: clinical testing. Allele origin: germline.
Comment: This variant is classified as likely benign based on ACMG/AMP sequence variant interpretation guidelines (Richards et al. 2015 PMID: 25741868, with internal and published modifications).

Blueprint Genetics
Classification: Likely benign. Last evaluated: 2024-08-21. Review status: criteria provided, single submitter. Criteria: ACMG Guidelines, 2015. Collection method: clinical testing. Allele origin: germline.

KCCC/NGS Laboratory, Kuwait Cancer Control Center
Classification: Likely benign for Fanconi anemia complementation group D2. Last evaluated: 2023-07-07. Review status: criteria provided, single submitter. Criteria: ACMG Guidelines, 2015. Collection method: clinical testing. Allele origin: germline. Affected: yes.

Sema4
Classification: Uncertain significance for Fanconi anemia. Last evaluated: 2022-03-16. Review status: criteria provided, single submitter. Criteria: Sema4 Curation Guidelines. Collection method: curation. Allele origin: germline.
Comment: The FANCD2 c.1675A>G (p.I559V) has not been reported in individuals with FANCD2-related disease. This variant was observed in 71/30524 chromosomes in the South Asian population, with 2 homozygotes, according to the Genome Aggregation Database (PMID: 32461654). This variant has been reported in ClinVar (Variation ID 456346). Functional studies have not been performed, and in silico predictions of the variant's effect on protein function are inconclusive. In silico tools that predict the effect of sequence changes on splicing suggest that this variant may impact splicing, though these predictions have not been confirmed by RNA studies. The evidence is insufficient to meet ACMG/AMP criteria for classifying the variant as benign or pathogenic. Thus, the clinical significance of this variant is currently uncertain.

Dr. Peter K. Rogan Lab, Western University
No classification provided (evidence only). Condition: Ovarian serous cystadenocarcinoma. Review status: no classification provided. Collection method: in vitro. Allele origin: not applicable. Functional consequence: retained intron. Not counted in ClinVar's aggregate classification.

NM_001018115.3(FANCD2):c.1675A>G (p.Ile559Val)

Genes: FANCD2 (FA complementation group D2; plus strand), LOC107303338 (3p25 FANCD2 Alu-mediated recombination region; plus strand). Cytogenetic location: 3p25.3.
Variant type: single nucleotide variant.
Coding change: c.1675A>G on transcript NM_001018115.3 (MANE Select); coding-DNA position 1675, A replaced by G.
Protein change: p.Ile559Val; replaces isoleucine 559 with valine.
Molecular consequence: missense variant.
Genome position (GRCh38, 1-based): chr3:10,060,312, A>G. VCF-style: chr3-10060312-A-G. GRCh37 (hg19) VCF-style: chr3-10101996-A-G.
Other names: c.1675A>G (NM_001018115.2, NM_033084.4); c.1675A>G, p.Ile559Val (NM_001319984.2, NM_001374254.1, NM_033084.6); c.1564A>G, p.Ile522Val (NM_001374253.1); short protein forms I559V, I522V.
Identifiers: ClinVar variation 456346 (VCV000456346.15), dbSNP rs201408009, ClinGen allele CA2249762.